The following is an entry in ClinVar:

NM_002778.4(PSAP):c.694C>T (p.Arg232Cys)

Gene: PSAP (prosaposin; minus strand). Cytogenetic location: 10q22.1.
Variant type: single nucleotide variant.
Coding change: c.694C>T on transcript NM_002778.4 (MANE Select); coding-DNA position 694, C replaced by T.
Protein change: p.Arg232Cys; replaces arginine 232 with cysteine.
Molecular consequence: missense variant.
Genome position (GRCh38, 1-based): chr10:71,828,040, G>A on the plus strand (C>T on the coding strand, the complement: PSAP is on the minus strand). VCF-style: chr10-71828040-G-A. GRCh37 (hg19) VCF-style: chr10-73587797-G-A.
Other names: c.694C>T, p.Arg232Cys (NM_001042465.3, NM_001042466.3); short protein forms R232C.
Identifiers: ClinVar variation 2137431 (VCV002137431.1), dbSNP rs1466736493, ClinGen allele CA377150743.

ClinVar aggregate classification (germline): Uncertain significance (1 of 4 stars; one submission).

Conditions:
Sphingolipid activator protein 1 deficiency. Also called: Saposin B Deficiency; Metachromatic leukodystrophy due to saposin B deficiency; METACHROMATIC LEUKODYSTROPHY DUE TO CEREBROSIDE SULFATASE ACTIVATOR DEFICIENCY. Identifiers: Orphanet 512, MedGen C0268262, MONDO:0009590, OMIM 249900.

Allele frequency attached by ClinVar (database versions not stated): TOPMed below 0.00001; gnomAD 0.00001; gnomAD exomes 0.00001.

Submission:

Labcorp Genetics (formerly Invitae), Labcorp
Classification: Uncertain significance for Sphingolipid activator protein 1 deficiency. Last evaluated: 2022-08-16. Review status: criteria provided, single submitter. Criteria: Invitae Variant Classification Sherloc (09022015). Collection method: clinical testing. Allele origin: germline.
Comment: This sequence change replaces arginine, which is basic and polar, with cysteine, which is neutral and slightly polar, at codon 232 of the PSAP protein (p.Arg232Cys). This variant is present in population databases (no rsID available, gnomAD 0.004%). This variant has not been reported in the literature in individuals affected with PSAP-related conditions. Algorithms developed to predict the effect of missense changes on protein structure and function are either unavailable or do not agree on the potential impact of this missense change (SIFT: "Not Available"; PolyPhen-2: "Possibly Damaging"; Align-GVGD: "Not Available"). In summary, the available evidence is currently insufficient to determine the role of this variant in disease. Therefore, it has been classified as a Variant of Uncertain Significance.